The following is an entry in ClinVar:

ClinVar aggregate classification (germline): Uncertain significance. Review status: criteria provided, multiple submitters, no conflicts (2 of 4 stars). 2 submissions from 2 submitters: Uncertain significance (2). Last evaluated 2021-10-27.

Conditions:
Alstrom syndrome (ALMS). Identifiers: Orphanet 64, MedGen C0268425, MONDO:0008763, OMIM 203800.

Submissions (2):

Blueprint Genetics
Classification: Uncertain significance. Last evaluated: 2021-10-27. Review status: criteria provided, single submitter. Criteria: ACMG Guidelines, 2015. Collection method: clinical testing. Allele origin: germline.

Labcorp Genetics (formerly Invitae), Labcorp
Classification: Uncertain significance for Alstrom syndrome. Last evaluated: 2021-08-11. Review status: criteria provided, single submitter. Criteria: Invitae Variant Classification Sherloc (09022015). Collection method: clinical testing. Allele origin: germline.
Comment: This sequence change replaces lysine with arginine at codon 2197 of the ALMS1 protein (p.Lys2197Arg). The lysine residue is weakly conserved and there is a small physicochemical difference between lysine and arginine. This variant is not present in population databases (ExAC no frequency). This variant has not been reported in the literature in individuals affected with ALMS1-related conditions. Experimental studies and prediction algorithms are not available or were not evaluated, and the functional significance of this variant is currently unknown. In summary, the available evidence is currently insufficient to determine the role of this variant in disease. Therefore, it has been classified as a Variant of Uncertain Significance.

NM_001378454.1(ALMS1):c.6587A>G (p.Lys2196Arg)

Gene: ALMS1 (ALMS1 centrosome and basal body associated protein; plus strand). Cytogenetic location: 2p13.1.
Variant type: single nucleotide variant.
Coding change: c.6587A>G on transcript NM_001378454.1 (MANE Select); coding-DNA position 6587, A replaced by G.
Protein change: p.Lys2196Arg; replaces lysine 2196 with arginine.
Molecular consequence: missense variant.
Genome position (GRCh38, 1-based): chr2:73,453,114, A>G. VCF-style: chr2-73453114-A-G. GRCh37 (hg19) VCF-style: chr2-73680241-A-G.
Other names: c.6590A>G, p.Lys2197Arg (NM_015120.4); short protein forms K2196R, K2197R.
Identifiers: ClinVar variation 1512033 (VCV001512033.4), dbSNP rs2103790737, ClinGen allele CA347288709.